The following is an entry in ClinVar:

ClinVar aggregate classification (germline): Uncertain significance (1 of 4 stars; one submission).

Conditions:
Frontotemporal dementia and/or amyotrophic lateral sclerosis 6 (FTDALS6). Also called: VCP-Related Amyotrophic Lateral Sclerosis; VCP-Related Amyotrophic Lateral Sclerosis/Frontotemporal Dementia. Identifiers: Orphanet 275872, Orphanet 803, MedGen C5436279, MONDO:0013501, OMIM 613954.
Inclusion body myopathy with Paget disease of bone and frontotemporal dementia. Also called: Inclusion body myopathy with early-onset Paget disease and frontotemporal dementia. Identifiers: Orphanet 52430, MedGen C1833662, MONDO:0000507.

Allele frequency attached by ClinVar (database versions not stated): ExAC 0.00001; gnomAD 0.00001; gnomAD exomes 0.00001; TOPMed 0.00001.

Submission:

Labcorp Genetics (formerly Invitae), Labcorp
Classification: Uncertain significance for Inclusion body myopathy with Paget disease of bone and frontotemporal dementia; Frontotemporal dementia and/or amyotrophic lateral sclerosis 6. Last evaluated: 2024-02-06. Review status: criteria provided, single submitter. Criteria: Invitae Variant Classification Sherloc (09022015). Collection method: clinical testing. Allele origin: germline.
Comment: This sequence change replaces arginine, which is basic and polar, with glutamine, which is neutral and polar, at codon 709 of the VCP protein (p.Arg709Gln). This variant is present in population databases (rs746617777, gnomAD 0.006%). This variant has not been reported in the literature in individuals affected with VCP-related conditions. ClinVar contains an entry for this variant (Variation ID: 1039720). Advanced modeling of protein sequence and biophysical properties (such as structural, functional, and spatial information, amino acid conservation, physicochemical variation, residue mobility, and thermodynamic stability) performed at Invitae indicates that this missense variant is not expected to disrupt VCP protein function with a negative predictive value of 95%. In summary, the available evidence is currently insufficient to determine the role of this variant in disease. Therefore, it has been classified as a Variant of Uncertain Significance.

NM_007126.5(VCP):c.2126G>A (p.Arg709Gln)

Gene: VCP (valosin containing protein; minus strand). Cytogenetic location: 9p13.3.
Variant type: single nucleotide variant.
Coding change: c.2126G>A on transcript NM_007126.5 (MANE Select); coding-DNA position 2126, G replaced by A.
Protein change: p.Arg709Gln; replaces arginine 709 with glutamine.
Molecular consequence: missense variant.
Genome position (GRCh38, 1-based): chr9:35,059,098, C>T on the plus strand (G>A on the coding strand, the complement: VCP is on the minus strand). VCF-style: chr9-35059098-C-T. GRCh37 (hg19) VCF-style: chr9-35059095-C-T.
Other names: c.1991G>A, p.Arg664Gln (NM_001354927.2, NM_001354928.2); short protein forms R709Q, R664Q.
Identifiers: ClinVar variation 1039720 (VCV001039720.7), dbSNP rs746617777, ClinGen allele CA5039128.